The following is an entry in ClinVar:

NM_001148.6(ANK2):c.10738del (p.Gly3581fs)

Gene: ANK2 (ankyrin 2; plus strand). Cytogenetic location: 4q26.
Variant type: Deletion.
Coding change: c.10738del on transcript NM_001148.6 (MANE Select); coding-DNA position 10738, one base deleted (C; older notation c.10738delC).
Protein change: p.Gly3581fs; shifts the reading frame from glycine 3581.
Molecular consequence: frameshift variant.
Genome position (GRCh38, 1-based): chr4:113,360,879, C deleted; the last of 2 consecutive C bases (chr4:113,360,878-113,360,879); deleting either gives the same sequence. VCF-style (leftmost placement, unchanged base first): chr4-113360877-AC-A. GRCh37 (hg19) VCF-style: chr4-114282033-AC-A.
Other names: c.4456del, p.Gly1487fs (NM_001127493.3); c.4495del, p.Gly1500fs (NM_001354225.2); c.4384del, p.Gly1463fs (NM_001354228.2, NM_001354258.2); c.4462del, p.Gly1489fs (NM_001354230.2); c.4525del, p.Gly1510fs (NM_001354231.2, NM_001354242.2); c.4519del, p.Gly1508fs (NM_001354232.2); c.4480del, p.Gly1495fs (NM_001354235.2, NM_001354246.2, NM_001354265.2); c.4381del, p.Gly1462fs (NM_001354236.2); and 35 more; short protein forms G1335fs, G1368fs, G1396fs, G1401fs, G1409fs, G1418fs, G1421fs, G1423fs.
Identifiers: ClinVar variation 1695882 (VCV001695882.2), dbSNP rs2154037302, ClinGen allele CA2580071407.

ClinVar aggregate classification (germline): Uncertain significance (1 of 4 stars; one submission).

Submission:

GeneDx
Classification: Uncertain significance. Last evaluated: 2022-01-11. Review status: criteria provided, single submitter. Criteria: GeneDx Variant Classification Process June 2021. Collection method: clinical testing. Allele origin: germline. Affected: yes.
Comment: Not observed at significant frequency in large population cohorts (gnomAD); Frameshift variant predicted to result in protein truncation or nonsense-mediated decay in a gene for which loss-of-function is not a known mechanism of disease; Has not been previously published as pathogenic or benign to our knowledge